The following is an entry in ClinVar:

ClinVar aggregate classification (germline): Uncertain significance (1 of 4 stars; one submission).

Conditions:
Neuropathy, hereditary sensory and autonomic, type 2A (HSAN2A). Also called: ACROOSTEOLYSIS, GIACCAI TYPE; HSAN IIA; MORVAN DISEASE; NEUROPATHY, CONGENITAL SENSORY; NEUROPATHY, HEREDITARY SENSORY RADICULAR, AUTOSOMAL RECESSIVE; NEUROPATHY, HEREDITARY SENSORY, TYPE IIA. Identifiers: Orphanet 970, MedGen C2752089, MONDO:0024309, OMIM 201300.
Generalized epilepsy with febrile seizures plus, type 7 (GEFSP7). Also called: GEFS+, TYPE 7. Identifiers: Orphanet 36387, MedGen C2751778, MONDO:0013470, OMIM 613863.

Submission:

Labcorp Genetics (formerly Invitae), Labcorp
Classification: Uncertain significance for Neuropathy, hereditary sensory and autonomic, type 2A; Generalized epilepsy with febrile seizures plus, type 7. Last evaluated: 2025-05-19. Review status: criteria provided, single submitter. Criteria: Invitae Variant Classification Sherloc (09022015). Collection method: clinical testing. Allele origin: germline.
Comment: This sequence change replaces valine, which is neutral and non-polar, with leucine, which is neutral and non-polar, at codon 781 of the SCN9A protein (p.Val781Leu). This variant is not present in population databases (gnomAD no frequency). This variant has not been reported in the literature in individuals affected with SCN9A-related conditions. ClinVar contains an entry for this variant (Variation ID: 2922863). Invitae Evidence Modeling of protein sequence and biophysical properties (such as structural, functional, and spatial information, amino acid conservation, physicochemical variation, residue mobility, and thermodynamic stability) indicates that this missense variant is not expected to disrupt SCN9A protein function with a negative predictive value of 95%. In summary, the available evidence is currently insufficient to determine the role of this variant in disease. Therefore, it has been classified as a Variant of Uncertain Significance.

NM_001365536.1(SCN9A):c.2374G>C (p.Val792Leu)

Genes: SCN1A-AS1 (SCN1A and SCN9A antisense RNA 1; plus strand), SCN9A (sodium voltage-gated channel alpha subunit 9; minus strand). Cytogenetic location: 2q24.3.
Variant type: single nucleotide variant.
Coding change: c.2374G>C on transcript NM_001365536.1 (MANE Select); coding-DNA position 2374, G replaced by C.
Protein change: p.Val792Leu; replaces valine 792 with leucine.
Molecular consequence: missense variant.
Genome position (GRCh38, 1-based): chr2:166,278,283, C>G on the plus strand (G>C on the coding strand, the complement: SCN9A is on the minus strand). VCF-style: chr2-166278283-C-G. GRCh37 (hg19) VCF-style: chr2-167134793-C-G.
Other names: c.2341G>C, p.Val781Leu (NM_002977.4); short protein forms V781L, V792L.
Identifiers: ClinVar variation 2922863 (VCV002922863.3), dbSNP rs1697326682, ClinGen allele CA349078478.
Genomic context (GRCh38, chr2:166,278,283, plus strand): 5'-CAAAAATATTCCAGCCTACTTGGAAATACTCATATGGATCCATGGCAATCAGTTTTAATA[C>G]CATTTCAGCTGCAAAGATTCCAGTAAAGACCTAAGTGAGAAAAATAATGTTTTTCTGTTA-3'
Protein context (NP_001352465.1, residues 782-802): VFTGIFAAEM[Val792Leu]LKLIAMDPYE